The following is an entry in ClinVar:

ClinVar aggregate classification (germline): Uncertain significance. Review status: criteria provided, multiple submitters, no conflicts (2 of 4 stars). 2 submissions from 2 submitters: Uncertain significance (2). Last evaluated 2025-08-29.

Conditions:
Inborn genetic diseases. Identifiers: MedGen C0950123, MeSH D030342.
Aicardi-Goutieres syndrome 6 (AGS6). Identifiers: Orphanet 51, MedGen C3539013, MONDO:0014007, OMIM 615010.
Symmetrical dyschromatosis of extremities (DSH). Also called: Dyschromatosis symmetrica hereditaria; DYSCHROMATOSIS SYMMETRICA HEREDITARIA 1; RETICULATE ACROPIGMENTATION OF DOHI; SYMMETRIC DYSCHROMATOSIS OF THE EXTREMITIES. Identifiers: Orphanet 41, MedGen C0406775, MONDO:0007483, OMIM 127400.

gnomAD v4.1: 4 of 1,613,784 alleles (0.00025%); no homozygotes.

Submissions (2):

Ambry Genetics
Classification: Uncertain significance for Inborn genetic diseases. Last evaluated: 2025-08-29. Review status: criteria provided, single submitter. Criteria: Ambry Variant Classification Scheme 2023. Collection method: clinical testing. Allele origin: germline.

Labcorp Genetics (formerly Invitae), Labcorp
Classification: Uncertain significance for Aicardi-Goutieres syndrome 6; Symmetrical dyschromatosis of extremities. Last evaluated: 2025-08-08. Review status: criteria provided, single submitter. Criteria: Invitae Variant Classification Sherloc (09022015). Collection method: clinical testing. Allele origin: germline.
Comment: This sequence change replaces aspartic acid, which is acidic and polar, with histidine, which is basic and polar, at codon 240 of the ADAR protein (p.Asp240His). This variant is not present in population databases (gnomAD no frequency). This variant has not been reported in the literature in individuals affected with ADAR-related conditions. ClinVar contains an entry for this variant (Variation ID: 639472). Experimental studies and prediction algorithms are not available or were not evaluated, and the functional significance of this variant is currently unknown. In summary, the available evidence is currently insufficient to determine the role of this variant in disease. Therefore, it has been classified as a Variant of Uncertain Significance.

NM_001111.5(ADAR):c.718G>C (p.Asp240His)

Gene: ADAR (adenosine deaminase RNA specific; minus strand). Cytogenetic location: 1q21.3.
Variant type: single nucleotide variant.
Coding change: c.718G>C on transcript NM_001111.5 (MANE Select); coding-DNA position 718, G replaced by C.
Protein change: p.Asp240His; replaces aspartic acid 240 with histidine.
Molecular consequence: missense variant. On other transcripts: 5 prime UTR variant (6).
Genome position (GRCh38, 1-based): chr1:154,601,924, C>G on the plus strand (G>C on the coding strand, the complement: ADAR is on the minus strand). VCF-style: chr1-154601924-C-G. GRCh37 (hg19) VCF-style: chr1-154574400-C-G.
Other names: c.-168G>C (NM_001365048.1, NM_001365049.1, NM_001025107.3 and 3 more transcripts); c.718G>C, p.Asp240His (NM_015840.4, NM_015841.4, LRG_1212t1); c.745G>C, p.Asp249His (NM_001365045.1); short protein forms D240H, D249H.
Identifiers: ClinVar variation 639472 (VCV000639472.7), dbSNP rs1374526080, ClinGen allele CA342600295.